The following is an entry in ClinVar:

NM_001330691.3(CEP78):c.1221C>T (p.Ile407=)

Gene: CEP78 (centrosomal protein 78; plus strand). Cytogenetic location: 9q21.2.
Variant type: single nucleotide variant.
Coding change: c.1221C>T on transcript NM_001330691.3 (MANE Select); coding-DNA position 1221, C replaced by T.
Protein change: p.Ile407=; no amino-acid change (isoleucine 407 retained).
Molecular consequence: synonymous variant.
Genome position (GRCh38, 1-based): chr9:78,253,247, C>T. VCF-style: chr9-78253247-C-T. GRCh37 (hg19) VCF-style: chr9-80868163-C-T.
Other names: c.1224C>T, p.Ile408= (NM_001098802.3, NM_001349839.2, NM_001349840.2 and 1 more transcripts); c.1221C>T, p.Ile407= (NM_001330693.3, NM_001330694.2, NM_001349838.2).
Identifiers: ClinVar variation 2022660 (VCV002022660.4), dbSNP rs1826849355, ClinGen allele CA465541698.

ClinVar aggregate classification (germline): Uncertain significance (1 of 4 stars; one submission).

Submission:

Labcorp Genetics (formerly Invitae), Labcorp
Classification: Uncertain significance. Last evaluated: 2024-11-11. Review status: criteria provided, single submitter. Criteria: Invitae Variant Classification Sherloc (09022015). Collection method: clinical testing. Allele origin: germline.
Comment: This sequence change affects codon 408 of the CEP78 mRNA. It is a 'silent' change, meaning that it does not change the encoded amino acid sequence of the CEP78 protein. This variant is not present in population databases (gnomAD no frequency). This variant has not been reported in the literature in individuals affected with CEP78-related conditions. ClinVar contains an entry for this variant (Variation ID: 2022660). Algorithms developed to predict the effect of sequence changes on RNA splicing suggest that this variant may disrupt the consensus splice site. In summary, the available evidence is currently insufficient to determine the role of this variant in disease. Therefore, it has been classified as a Variant of Uncertain Significance.